The following is an entry in ClinVar:

ClinVar aggregate classification (germline): Uncertain significance (1 of 4 stars; one submission).

Conditions:
Hereditary sensory and autonomic neuropathy type 6. Also called: Neuropathy, hereditary sensory and autonomic, type VI; HSAN VI. Identifiers: Orphanet 314381, MedGen C3539003, MONDO:0013839, OMIM 614653.
Epidermolysis bullosa simplex 3, localized or generalized intermediate, with BP230 deficiency (EBS3). Also called: Epidermolysis bullosa simplex, autosomal recessive 2; Epidermolysis bullosa simplex due to BP230 deficiency. Identifiers: Orphanet 412181, MedGen C3809470, MONDO:0014180, OMIM 615425.

Allele frequency attached by ClinVar (database versions not stated): ExAC 0.00001; gnomAD 0.00001; TOPMed 0.00002.
gnomAD v4.1: 3 of 1,613,130 alleles (0.00019%); highest among the groups gnomAD compares: African/African-American, 0.0027%; no homozygotes.

Submission:

Labcorp Genetics (formerly Invitae), Labcorp
Classification: Uncertain significance for Epidermolysis bullosa simplex 3, localized or generalized intermediate, with BP230 deficiency; Hereditary sensory and autonomic neuropathy type 6. Last evaluated: 2024-01-22. Review status: criteria provided, single submitter. Criteria: Invitae Variant Classification Sherloc (09022015). Collection method: clinical testing. Allele origin: germline.
Comment: The DST gene has multiple clinically relevant transcripts. This variant occurs in alternate transcript NM_015548.4, and corresponds to NM_001723.5:c.*132700C>G in the primary transcript. This sequence change replaces arginine, which is basic and polar, with glycine, which is neutral and non-polar, at codon 4467 of the DST protein (p.Arg4467Gly). This variant is present in population databases (rs753400637, gnomAD 0.008%). This variant has not been reported in the literature in individuals affected with DST-related conditions. ClinVar contains an entry for this variant (Variation ID: 965418). Experimental studies and prediction algorithms are not available or were not evaluated, and the functional significance of this variant is currently unknown. In summary, the available evidence is currently insufficient to determine the role of this variant in disease. Therefore, it has been classified as a Variant of Uncertain Significance.

NM_001374736.1(DST):c.21268C>G (p.Arg7090Gly)

Gene: DST (dystonin; minus strand). Cytogenetic location: 6p12.1.
Variant type: single nucleotide variant.
Coding change: c.21268C>G on transcript NM_001374736.1 (MANE Select); coding-DNA position 21268, C replaced by G.
Protein change: p.Arg7090Gly; replaces arginine 7090 with glycine.
Molecular consequence: missense variant.
Genome position (GRCh38, 1-based): chr6:56,482,817, G>C on the plus strand (C>G on the coding strand, the complement: DST is on the minus strand). VCF-style: chr6-56482817-G-C. GRCh37 (hg19) VCF-style: chr6-56347615-G-C.
Other names: c.14911C>G, p.Arg4971Gly (NM_001144769.5); c.14497C>G, p.Arg4833Gly (NM_001144770.2); c.21268C>G, p.Arg7090Gly (NM_001374722.1); c.20308C>G, p.Arg6770Gly (NM_001374729.1); c.14050C>G, p.Arg4684Gly (NM_001374730.1); c.21295C>G, p.Arg7099Gly (NM_001374734.1); c.13399C>G, p.Arg4467Gly (NM_015548.5); c.14377C>G, p.Arg4793Gly (NM_183380.4); short protein forms R6770G, R4793G, R4971G, R7099G, R4467G, R4684G, R4833G, R7090G.
Identifiers: ClinVar variation 965418 (VCV000965418.6), dbSNP rs753400637, ClinGen allele CA3866542.